The following is an entry in ClinVar:

NM_000039.3(APOA1):c.148G>A (p.Gly50Ser)

Genes: APOA1 (apolipoprotein A1; minus strand), APOA1-AS (APOA1 antisense RNA; plus strand). Cytogenetic location: 11q23.3.
Variant type: single nucleotide variant.
Coding change: c.148G>A on transcript NM_000039.3 (MANE Select); coding-DNA position 148, G replaced by A.
Protein change: p.Gly50Ser; replaces glycine 50 with serine.
Molecular consequence: missense variant.
Genome position (GRCh38, 1-based): chr11:116,837,053, C>T on the plus strand (G>A on the coding strand, the complement: APOA1 is on the minus strand). VCF-style: chr11-116837053-C-T. GRCh37 (hg19) VCF-style: chr11-116707769-C-T.
Other names: c.148G>A, p.Gly50Ser (NM_001318017.2, NM_001318018.2); c.-180G>A (NM_001318021.2); short protein forms G50S.
Identifiers: ClinVar variation 1773749 (VCV001773749.6), dbSNP rs28931574, ClinGen allele CA6289883.

ClinVar aggregate classification (germline): Uncertain significance. Review status: criteria provided, multiple submitters, no conflicts (2 of 4 stars). 3 submissions from 3 submitters: Uncertain significance (3). Last evaluated 2025-07-10.

Conditions:
Cardiovascular phenotype. Identifiers: MedGen CN230736.

Allele frequency attached by ClinVar (database versions not stated): gnomAD 0.00001; ExAC 0.00002; gnomAD exomes 0.00002; TOPMed 0.00002; 1000 Genomes Project 30x 0.00016; 1000 Genomes Project 0.00020.
gnomAD v4.1: 35 of 1,614,162 alleles (0.0022%); highest among the groups gnomAD compares: Admixed American, 0.0067%; no homozygotes.

Submissions (3):

Labcorp Genetics (formerly Invitae), Labcorp
Classification: Uncertain significance. Last evaluated: 2025-07-10. Review status: criteria provided, single submitter. Criteria: Invitae Variant Classification Sherloc (09022015). Collection method: clinical testing. Allele origin: germline.
Comment: This sequence change replaces glycine, which is neutral and non-polar, with serine, which is neutral and polar, at codon 50 of the APOA1 protein (p.Gly50Ser). This variant is present in population databases (rs28931574, gnomAD 0.009%). This variant has not been reported in the literature in individuals affected with APOA1-related conditions. ClinVar contains an entry for this variant (Variation ID: 1773749). Invitae Evidence Modeling of protein sequence and biophysical properties (such as structural, functional, and spatial information, amino acid conservation, physicochemical variation, residue mobility, and thermodynamic stability) indicates that this missense variant is not expected to disrupt APOA1 protein function with a negative predictive value of 95%. This variant disrupts the p.Gly50 amino acid residue in APOA1. Other variant(s) that disrupt this residue have been determined to be pathogenic (PMID: 2123470, 17665932, 21296086, 22952757, 23233678, 27464946). This suggests that this residue is clinically significant, and that variants that disrupt this residue are likely to be disease-causing. In summary, the available evidence is currently insufficient to determine the role of this variant in disease. Therefore, it has been classified as a Variant of Uncertain Significance.

Blueprint Genetics
Classification: Uncertain significance. Last evaluated: 2023-10-27. Review status: criteria provided, single submitter. Criteria: ACMG Guidelines, 2015. Collection method: clinical testing. Allele origin: germline.

Ambry Genetics
Classification: Uncertain significance for Cardiovascular phenotype. Last evaluated: 2022-11-15. Review status: criteria provided, single submitter. Criteria: Ambry Variant Classification Scheme 2023. Collection method: clinical testing. Allele origin: germline.
Comment: The p.G50S variant (also known as c.148G>A), located in coding exon 2 of the APOA1 gene, results from a G to A substitution at nucleotide position 148. The glycine at codon 50 is replaced by serine, an amino acid with similar properties. This amino acid position is highly conserved in available vertebrate species. In addition, this alteration is predicted to be tolerated by in silico analysis. Since supporting evidence is limited at this time, the clinical significance of this alteration remains unclear.

Literature cited by the submitters: PubMed 2123470 (cited by Labcorp Genetics (formerly Invitae), Labcorp); PubMed 17665932 (cited by Labcorp Genetics (formerly Invitae), Labcorp); PubMed 21296086 (cited by Labcorp Genetics (formerly Invitae), Labcorp); PubMed 22952757 (cited by Labcorp Genetics (formerly Invitae), Labcorp); PubMed 23233678 (cited by Labcorp Genetics (formerly Invitae), Labcorp); PubMed 27464946 (cited by Labcorp Genetics (formerly Invitae), Labcorp).